The following is an entry in ClinVar:

ClinVar aggregate classification (germline): Pathogenic. Review status: criteria provided, multiple submitters, no conflicts (2 of 4 stars). 3 submissions from 3 submitters: Pathogenic (3). Last evaluated 2025-10-13.

Conditions:
Autosomal recessive osteopetrosis 4. Also called: CLCN7-Related Osteopetrosis; infantile malignant CLCN7-related recessive osteopetrosis. Identifiers: Orphanet 667, MedGen C1969106, MONDO:0012676, OMIM 611490.

Allele frequency attached by ClinVar (database versions not stated): gnomAD exomes below 0.00001; TOPMed below 0.00001.
gnomAD v4.1: 3 of 1,088,862 alleles (0.00028%); highest among the groups gnomAD compares: Non-Finnish European, 0.00041%; no homozygotes.

Submissions (3):

GeneDx
Classification: Pathogenic. Last evaluated: 2025-10-13. Review status: criteria provided, single submitter. Criteria: GeneDx Variant Classification Process June 2021. Collection method: clinical testing. Allele origin: germline.
Comment: Non-canonical splice site variant demonstrated to result in loss-of-function (PMID: 32691986); No data available from control populations to assess the frequency of this variant; This variant is associated with the following publications: (PMID: 32691986)

Revvity Omics, Revvity
Classification: Pathogenic. Last evaluated: 2024-09-27. Review status: criteria provided, single submitter. Criteria: ACMG Guidelines, 2015. Collection method: clinical testing. Allele origin: germline.

NYU Undiagnosed Diseases Program, NYU School of Medicine
Classification: Pathogenic for Autosomal recessive osteopetrosis 4. Review status: criteria provided, single submitter. Criteria: ACMG Guidelines, 2015. Collection method: research. Allele origin: inherited. Inheritance: Autosomal recessive inheritance. Affected: yes. Observed: 1 homozygote.
Comment: This variant creates a novel aberrant splice acceptor that creates a 110-bp pseudoexon (chr16:1,450,267-1,450,376; hg38) causing loss of function of the protein. Osteoclast functional assays confirm CLCN7 loss of function.

NM_001287.6(CLCN7):c.1617+119G>A

Gene: CLCN7 (Cl-/H+ antiporter 7; minus strand). Cytogenetic location: 16p13.3.
Variant type: single nucleotide variant.
Coding change: c.1617+119G>A on transcript NM_001287.6 (MANE Select); 119 bases into the intron after coding-DNA position 1617, G replaced by A.
Molecular consequence: intron variant.
Genome position (GRCh38, 1-based): chr16:1,450,378, C>T on the plus strand (G>A on the coding strand, the complement: CLCN7 is on the minus strand). VCF-style: chr16-1450378-C-T. GRCh37 (hg19) VCF-style: chr16-1500379-C-T.
Other names: c.1545+119G>A (NM_001114331.3).
Identifiers: ClinVar variation 827681 (VCV000827681.8), dbSNP rs922106856, ClinGen allele CA276673150.
Genomic context (GRCh38, chr16:1,450,378, plus strand): 5'-GCCACCACAGCAGGACAACGCCCACGGCCCGTGAACCACGCGAGGACAACGCCCACGGCC[C>T]GTGAACCACGTGAGGTGCGACACTTTTGTCCTGCCCTGGGACTTCTGCTCCGGCCCGCGA-3'